The following is an entry in ClinVar:

ClinVar aggregate classification (germline): Uncertain significance (1 of 4 stars; one submission).

gnomAD v4.1: 1 of 1,614,164 alleles (0.000062%); highest among the groups gnomAD compares: Non-Finnish European, 0.000085%; no homozygotes.

Submission:

Labcorp Genetics (formerly Invitae), Labcorp
Classification: Uncertain significance. Last evaluated: 2021-12-10. Review status: criteria provided, single submitter. Criteria: Invitae Variant Classification Sherloc (09022015). Collection method: clinical testing. Allele origin: germline.
Comment: This sequence change replaces valine, which is neutral and non-polar, with methionine, which is neutral and non-polar, at codon 183 of the TAOK2 protein (p.Val183Met). This variant is not present in population databases (gnomAD no frequency). This variant has not been reported in the literature in individuals affected with TAOK2-related conditions. Algorithms developed to predict the effect of missense changes on protein structure and function are either unavailable or do not agree on the potential impact of this missense change (SIFT: "Deleterious"; PolyPhen-2: "Possibly Damaging"; Align-GVGD: "Class C0"). In summary, the available evidence is currently insufficient to determine the role of this variant in disease. Therefore, it has been classified as a Variant of Uncertain Significance.

NM_016151.4(TAOK2):c.547G>A (p.Val183Met)

Gene: TAOK2 (TAO kinase 2; plus strand). Cytogenetic location: 16p11.2.
Variant type: single nucleotide variant.
Coding change: c.547G>A on transcript NM_016151.4 (MANE Select); coding-DNA position 547, G replaced by A.
Protein change: p.Val183Met; replaces valine 183 with methionine.
Molecular consequence: missense variant.
Genome position (GRCh38, 1-based): chr16:29,979,292, G>A. VCF-style: chr16-29979292-G-A. GRCh37 (hg19) VCF-style: chr16-29990613-G-A.
Other names: c.547G>A, p.Val183Met (NM_001252043.2, NM_004783.4); short protein forms V183M.
Identifiers: ClinVar variation 1507437 (VCV001507437.6), dbSNP rs2150886057, ClinGen allele CA395472226.
Genomic context (GRCh38, chr16:29,979,292, plus strand): 5'-GGGTTAGTGAAGCTAGGGGACTTTGGTTCTGCGTCCATCATGGCACCTGCCAACTCCTTC[G>A]TGGGCACCCCATACTGGTGAGTGAGTGAGTGGTGGTGAGTGGAGAGACCTCCCAGGGATG-3'
Protein context (NP_057235.2, residues 173-193): ASIMAPANSF[Val183Met]GTPYWMAPEV